The following is an entry in ClinVar:

NM_001267550.2(TTN):c.45082+4A>T

Genes: TTN (titin; minus strand), LOC126806427 (BRD4-independent group 4 enhancer GRCh37_chr2:179485777-179486976; plus strand). Cytogenetic location: 2q31.2.
Variant type: single nucleotide variant.
Coding change: c.45082+4A>T on transcript NM_001267550.2 (MANE Select); 4 bases into the intron after coding-DNA position 45082, A replaced by T.
Molecular consequence: intron variant.
Genome position (GRCh38, 1-based): chr2:178,621,836, T>A on the plus strand (A>T on the coding strand, the complement: TTN is on the minus strand). VCF-style: chr2-178621836-T-A. GRCh37 (hg19) VCF-style: chr2-179486563-T-A.
Other names: c.17887+4A>T (NM_003319.4); c.18463+4A>T (NM_133437.4); c.18262+4A>T (NM_133432.3); c.37378+4A>T (NM_133378.4); c.40159+4A>T (NM_001256850.1).
Identifiers: ClinVar variation 2035287 (VCV002035287.4), dbSNP rs766471599, ClinGen allele CA1995510.

ClinVar aggregate classification (germline): Uncertain significance (1 of 4 stars; one submission).

Conditions:
Dilated cardiomyopathy 1G (CMD1G). Identifiers: Orphanet 154, MedGen C1858763, MONDO:0011400, OMIM 604145.
Autosomal recessive limb-girdle muscular dystrophy type 2J (LGMDR10). Also called: Limb-girdle muscular dystrophy, type 2J; MUSCULAR DYSTROPHY, LIMB-GIRDLE, AUTOSOMAL RECESSIVE 10. Identifiers: Orphanet 140922, MedGen C1837342, MONDO:0012127, OMIM 608807.

Allele frequency attached by ClinVar (database versions not stated): gnomAD exomes below 0.00001; ExAC 0.00001.
gnomAD v4.1: 1 of 1,611,888 alleles (0.000062%); highest among the groups gnomAD compares: Non-Finnish European, 0.000085%; no homozygotes.

Submission:

Labcorp Genetics (formerly Invitae), Labcorp
Classification: Uncertain significance for Dilated cardiomyopathy 1G; Autosomal recessive limb-girdle muscular dystrophy type 2J. Last evaluated: 2022-12-12. Review status: criteria provided, single submitter. Criteria: Invitae Variant Classification Sherloc (09022015). Collection method: clinical testing. Allele origin: germline.
Comment: Variants that disrupt the consensus splice site are a relatively common cause of aberrant splicing (PMID: 17576681, 9536098). Algorithms developed to predict the effect of sequence changes on RNA splicing suggest that this variant may create or strengthen a splice site. This variant has not been reported in the literature in individuals affected with TTN-related conditions. This variant is present in population databases (rs766471599, gnomAD 0.0009%). This sequence change falls in intron 244 of the TTN gene. It does not directly change the encoded amino acid sequence of the TTN protein. It affects a nucleotide within the consensus splice site. This variant is located in the I band of TTN (PMID: 25589632). Variants in this region may be clinically relevant, but have not been definitively shown to cause cardiomyopathy or neuromuscular disease (PMID: 27493940, 32778822). In summary, the available evidence is currently insufficient to determine the role of this variant in disease. Therefore, it has been classified as a Variant of Uncertain Significance.

Literature cited by the submitters: PubMed 17576681; PubMed 9536098; PubMed 25589632; PubMed 27493940; PubMed 32778822.